The following is an entry in ClinVar:

NM_030958.3(SLCO5A1):c.1276G>A (p.Val426Ile)

Gene: SLCO5A1 (solute carrier organic anion transporter family member 5A1; minus strand). Cytogenetic location: 8q13.3.
Variant type: single nucleotide variant.
Coding change: c.1276G>A on transcript NM_030958.3 (MANE Select); coding-DNA position 1276, G replaced by A.
Protein change: p.Val426Ile; replaces valine 426 with isoleucine.
Molecular consequence: missense variant. On other transcripts: intron variant (1).
Genome position (GRCh38, 1-based): chr8:69,738,187, C>T on the plus strand (G>A on the coding strand, the complement: SLCO5A1 is on the minus strand). VCF-style: chr8-69738187-C-T. GRCh37 (hg19) VCF-style: chr8-70650422-C-T.
Other names: c.1276G>A, p.Val426Ile (NM_001146008.2); c.1258+17237G>A (NM_001146009.1); short protein forms V426I.
Identifiers: ClinVar variation 1515172 (VCV001515172.6), dbSNP rs2130843446, ClinGen allele CA371233304.
Genomic context (GRCh38, chr8:69,738,187, plus strand): 5'-CACTCTCAGCTGTGTATGACAAACTCACAAAAAGGAATGTCATGTTGCTTAAGATCCTGA[C>T]AGCTGCTCTTGGTAGGTCTACAAAATGACAAAAATGACAAATGAATGTTATAAACAATGG-3'
Protein context (NP_112220.2, residues 416-436): KDVRDLPRAA[Val426Ile]RILSNMTFLF

ClinVar aggregate classification (germline): Uncertain significance (1 of 4 stars; one submission).

Allele frequency attached by ClinVar (database versions not stated): gnomAD exomes below 0.00001.
gnomAD v4.1: 6 of 1,607,610 alleles (0.00037%); highest among the groups gnomAD compares: African/African-American, 0.0013%; no homozygotes.

Submission:

Labcorp Genetics (formerly Invitae), Labcorp
Classification: Uncertain significance. Last evaluated: 2023-11-27. Review status: criteria provided, single submitter. Criteria: Invitae Variant Classification Sherloc (09022015). Collection method: clinical testing. Allele origin: germline.
Comment: This sequence change replaces valine, which is neutral and non-polar, with isoleucine, which is neutral and non-polar, at codon 426 of the SLCO5A1 protein (p.Val426Ile). This variant is not present in population databases (gnomAD no frequency). This variant has not been reported in the literature in individuals affected with SLCO5A1-related conditions. ClinVar contains an entry for this variant (Variation ID: 1515172). An algorithm developed to predict the effect of missense changes on protein structure and function (PolyPhen-2) suggests that this variant is likely to be tolerated. In summary, the available evidence is currently insufficient to determine the role of this variant in disease. Therefore, it has been classified as a Variant of Uncertain Significance.